The following is an entry in ClinVar:

NM_001430.5(EPAS1):c.1925A>T (p.Asp642Val)

Gene: EPAS1 (endothelial PAS domain protein 1; plus strand). Cytogenetic location: 2p21.
Variant type: single nucleotide variant.
Coding change: c.1925A>T on transcript NM_001430.5 (MANE Select); coding-DNA position 1925, A replaced by T.
Protein change: p.Asp642Val; replaces aspartic acid 642 with valine.
Molecular consequence: missense variant.
Genome position (GRCh38, 1-based): chr2:46,380,597, A>T. VCF-style: chr2-46380597-A-T. GRCh37 (hg19) VCF-style: chr2-46607736-A-T.
Other names: short protein forms D642V.
Identifiers: ClinVar variation 3221585 (VCV003221585.1), dbSNP rs748980552, ClinGen allele CA346705164.

ClinVar aggregate classification (germline): Uncertain significance (1 of 4 stars; one submission).

Conditions:
Inborn genetic diseases. Identifiers: MedGen C0950123, MeSH D030342.

Submission:

Ambry Genetics
Classification: Uncertain significance for Inborn genetic diseases. Last evaluated: 2023-12-29. Review status: criteria provided, single submitter. Criteria: Ambry Variant Classification Scheme 2023. Collection method: clinical testing. Allele origin: germline.
Comment: The p.D642V variant (also known as c.1925A>T), located in coding exon 12 of the EPAS1 gene, results from an A to T substitution at nucleotide position 1925. The aspartic acid at codon 642 is replaced by valine, an amino acid with highly dissimilar properties. This amino acid position is conserved. In addition, this alteration is predicted to be deleterious by in silico analysis. Since supporting evidence is limited at this time, the clinical significance of this alteration remains unclear.